The following is an entry in ClinVar:

ClinVar aggregate classification (germline): Uncertain significance (1 of 4 stars; one submission).

Conditions:
Intellectual developmental disorder, X-linked 107. Also called: Intellectual disability, X-linked 107; MENTAL RETARDATION, X-LINKED 107. Identifiers: MedGen C4692652, MONDO:0049222, OMIM 301013.

Submission:

Baylor Genetics
Classification: Uncertain significance for Intellectual developmental disorder, X-linked 107. Last evaluated: 2019-09-26. Review status: criteria provided, single submitter. Criteria: ACMG Guidelines, 2015. Collection method: clinical testing. Allele origin: unknown. Affected: yes.
Comment: This variant was determined to be of uncertain significance according to ACMG Guidelines, 2015 [PMID:25741868].

NM_022101.4(STEEP1):c.158G>T (p.Arg53Leu)

Gene: STEEP1 (STING1 ER exit protein 1; minus strand). Cytogenetic location: Xq24.
Variant type: single nucleotide variant.
Coding change: c.158G>T on transcript NM_022101.4 (MANE Select); coding-DNA position 158, G replaced by T.
Protein change: p.Arg53Leu; replaces arginine 53 with leucine.
Molecular consequence: missense variant.
Genome position (GRCh38, 1-based): chrX:119,560,352, C>A on the plus strand (G>T on the coding strand, the complement: STEEP1 is on the minus strand). VCF-style: chrX-119560352-C-A. GRCh37 (hg19) VCF-style: chrX-118694315-C-A.
Other names: c.11G>T, p.Arg4Leu (NM_001170569.1); c.158G>T, p.Arg53Leu (NM_001170570.2); short protein forms R4L, R53L.
Identifiers: ClinVar variation 1029843 (VCV001029843.1), dbSNP rs769335743, ClinGen allele CA414372770.